The following is an entry in ClinVar:

NM_001308093.3(GATA4):c.205G>A (p.Gly69Ser)

Gene: GATA4 (GATA binding protein 4). Cytogenetic location: 8p23.1.
Variant type: single nucleotide variant.
Coding change: c.205G>A on transcript NM_001308093.3 (MANE Select); coding-DNA position 205, G replaced by A.
Protein change: p.Gly69Ser; replaces glycine 69 with serine.
Molecular consequence: missense variant. On other transcripts: intron variant (3).
Genome position (GRCh38, 1-based): chr8:11,708,517, G>A. VCF-style: chr8-11708517-G-A. GRCh37 (hg19) VCF-style: chr8-11566026-G-A.
Other names: c.205G>A, p.Gly69Ser (NM_002052.5); c.-6+7739G>A (NM_001308094.2); c.-3+503G>A (NM_001374274.1); c.-3+4213G>A (NM_001374273.1); c.205G>A (NM_002052.3); short protein forms G69S.
Identifiers: ClinVar variation 2162858 (VCV002162858.6), dbSNP rs1326304521, ClinGen allele CA370309149.
Genomic context (GRCh38, chr8:11,708,517, plus strand): 5'-CTGGGCCTGTCCTACCTCCAGGGCGGAGGCGCGGGCTCTGCGTCCGGAGGCGCCTCGGGC[G>A]GCAGCTCCGGTGGGGCCGCGTCTGGTGCGGGGCCCGGGACCCAGCAGGGCAGCCCGGGAT-3'
Protein context (NP_001295022.1, residues 59-79): AGSASGGASG[Gly69Ser]SSGGAASGAG

ClinVar aggregate classification (germline): Conflicting classifications of pathogenicity. Review status: criteria provided, conflicting classifications (1 of 4 stars). 3 submissions from 3 submitters: Uncertain significance (2); Likely benign (1). Last evaluated 2026-07-31.

Conditions:
Atrioventricular septal defect 4 (AVSD4). Identifiers: MedGen C3280781, MONDO:0013747, OMIM 614430.
Cardiovascular phenotype. Identifiers: MedGen CN230736.

gnomAD v4.1: 5 of 1,468,460 alleles (0.00034%); highest among the groups gnomAD compares: Admixed American, 0.0048%; no homozygotes.

Submissions (3):

Ambry Genetics
Classification: Uncertain significance for Cardiovascular phenotype. Last evaluated: 2026-07-31. Review status: criteria provided, single submitter. Criteria: Ambry Variant Classification Scheme 2023. Collection method: clinical testing. Allele origin: germline.
Comment: The p.G69S variant (also known as c.205G>A), located in coding exon 1 of the GATA4 gene, results from a G to A substitution at nucleotide position 205. The glycine at codon 69 is replaced by serine, an amino acid with similar properties. This amino acid position is conserved. In addition, the in silico prediction for this alteration is inconclusive. Based on the available evidence, the clinical significance of this variant remains unclear.

Labcorp Genetics (formerly Invitae), Labcorp
Classification: Uncertain significance for Atrioventricular septal defect 4. Last evaluated: 2024-05-17. Review status: criteria provided, single submitter. Criteria: Invitae Variant Classification Sherloc (09022015). Collection method: clinical testing. Allele origin: germline.
Comment: This sequence change replaces glycine, which is neutral and non-polar, with serine, which is neutral and polar, at codon 69 of the GATA4 protein (p.Gly69Ser). The frequency data for this variant in the population databases is considered unreliable, as metrics indicate poor data quality at this position in the gnomAD database. This variant has not been reported in the literature in individuals affected with GATA4-related conditions. ClinVar contains an entry for this variant (Variation ID: 2162858). Advanced modeling of protein sequence and biophysical properties (such as structural, functional, and spatial information, amino acid conservation, physicochemical variation, residue mobility, and thermodynamic stability) performed at Invitae indicates that this missense variant is not expected to disrupt GATA4 protein function with a negative predictive value of 80%. In summary, the available evidence is currently insufficient to determine the role of this variant in disease. Therefore, it has been classified as a Variant of Uncertain Significance.

Blueprint Genetics
Classification: Likely benign. Last evaluated: 2022-10-07. Review status: criteria provided, single submitter. Criteria: ACMG Guidelines, 2015. Collection method: clinical testing. Allele origin: germline.